The following is an entry in ClinVar:

ClinVar aggregate classification (germline): Pathogenic. Review status: criteria provided, single submitter (1 of 4 stars). 2 submissions from 2 submitters: Pathogenic (1). 1 of the submissions does not count toward it. Last evaluated 2023-05-16.

Conditions:
Familial adenomatous polyposis 1 (FAP1). Also called: POLYPOSIS, ADENOMATOUS INTESTINAL; FAMILIAL ADENOMATOUS POLYPOSIS 1, ATTENUATED. Identifiers: MedGen C2713442, MONDO:0021056, OMIM 175100. Disease mechanism: loss of function.

Submissions (2):

Myriad Genetics, Inc.
Classification: Pathogenic for Familial adenomatous polyposis 1. Last evaluated: 2023-05-16. Review status: criteria provided, single submitter. Criteria: Myriad Autosomal Dominant, Autosomal Recessive and X-Linked Classification Criteria (2023). Collection method: clinical testing. Allele origin: unknown.
Comment: This variant is considered pathogenic. This variant creates a frameshift predicted to result in premature protein truncation.

Department of Pathology and Laboratory Medicine, Sinai Health System
Classification: Uncertain significance. Review status: no assertion criteria provided. Collection method: clinical testing. Allele origin: unknown. Affected: yes. Observed: 4 variant alleles. Study: The Canadian Open Genetics Repository (COGR). Not counted in ClinVar's aggregate classification.

NM_000038.6(APC):c.7960del (p.Thr2654fs)

Gene: APC (APC regulator of Wnt signaling pathway; plus strand). Cytogenetic location: 5q22.2.
Variant type: Deletion.
Coding change: c.7960del on transcript NM_000038.6 (MANE Select); coding-DNA position 7960, one base deleted (A; older notation c.7960delA).
Protein change: p.Thr2654fs; shifts the reading frame from threonine 2654.
Molecular consequence: frameshift variant.
Genome position (GRCh38, 1-based): chr5:112,843,554, A deleted; the last of 4 consecutive A bases (chr5:112,843,551-112,843,554); deleting any one gives the same sequence. VCF-style (leftmost placement, unchanged base first): chr5-112843550-TA-T. GRCh37 (hg19) VCF-style: chr5-112179247-TA-T.
Other names: c.7960del, p.Thr2654fs (NM_001127510.3, NM_001354895.2); c.7906del, p.Thr2636fs (NM_001127511.3); c.8014del, p.Thr2672fs (NM_001354896.2); c.7990del, p.Thr2664fs (NM_001354897.2); c.7885del, p.Thr2629fs (NM_001354898.2); c.7876del, p.Thr2626fs (NM_001354899.2); c.7837del, p.Thr2613fs (NM_001354900.2); c.7783del, p.Thr2595fs (NM_001354901.2); and 5 more; short protein forms T2563fs, T2626fs, T2629fs, T2613fs, T2371fs, T2494fs, T2528fs, T2595fs.
Identifiers: ClinVar variation 433678 (VCV000433678.4), dbSNP rs1305971005, ClinGen allele CA562217625.